The following is an entry in ClinVar:

ClinVar aggregate classification (germline): Benign/Likely benign. Review status: criteria provided, multiple submitters, no conflicts (2 of 4 stars). 6 submissions from 6 submitters: Benign (1); Likely benign (4). 1 of the submissions does not count toward it. Last evaluated 2025-07-13.

Conditions:
DNAAF3-related disorder. Also called: DNAAF3-related condition.
Primary ciliary dyskinesia. Also called: Ciliary dyskinesia. Identifiers: Orphanet 244, MedGen C0008780, MONDO:0016575, HP:0012265.
Primary ciliary dyskinesia 2. Also called: CILIARY DYSKINESIA, PRIMARY, 2, WITH OR WITHOUT SITUS INVERSUS. Identifiers: Orphanet 244, MedGen C1847554, MONDO:0011718, OMIM 606763.

Allele frequency attached by ClinVar (database versions not stated): TOPMed 0.00028; 1000 Genomes Project 0.00180; gnomAD 0.00192 and 0.00194; 1000 Genomes Project 30x 0.00203.

Submissions (7):

Labcorp Genetics (formerly Invitae), Labcorp
Classification: Benign for Primary ciliary dyskinesia. Last evaluated: 2025-07-13. Review status: criteria provided, single submitter. Criteria: Invitae Variant Classification Sherloc (09022015). Collection method: clinical testing. Allele origin: germline.

ARUP Laboratories, Molecular Genetics and Genomics, ARUP Laboratories
Classification: Likely benign for Primary ciliary dyskinesia 2. Last evaluated: 2025-07-07. Review status: criteria provided, single submitter. Criteria: ARUP Molecular Germline Variant Investigation Process 2024. Collection method: clinical testing. Allele origin: germline.

Ambry Genetics
Classification: Likely benign for Primary ciliary dyskinesia. Last evaluated: 2025-05-06. Review status: criteria provided, single submitter. Criteria: Ambry Variant Classification Scheme 2023. Collection method: clinical testing. Allele origin: germline.

Blueprint Genetics
Classification: Likely benign. Last evaluated: 2024-11-08. Review status: criteria provided, single submitter. Criteria: ACMG Guidelines, 2015. Collection method: clinical testing. Allele origin: germline.

CeGaT Center for Human Genetics Tuebingen
Classification: Likely benign. Last evaluated: 2023-02-01. Review status: criteria provided, single submitter. Criteria: CeGaT Center For Human Genetics Tuebingen Variant Classification Criteria Version 2. Collection method: clinical testing. Allele origin: germline. Affected: yes. Observed: 1 variant allele.
Comment: DNAAF3: BP4, BP7

PreventionGenetics, part of Exact Sciences
Classification: Benign for DNAAF3-related condition. Last evaluated: 2022-01-10. Review status: no assertion criteria provided. Collection method: clinical testing. Allele origin: germline. Not counted in ClinVar's aggregate classification.
Comment: This variant is classified as benign based on ACMG/AMP sequence variant interpretation guidelines (Richards et al. 2015 PMID: 25741868, with internal and published modifications).

Dr. Peter K. Rogan Lab, Western University
No classification provided (evidence only). Condition: Gastric cancer. Review status: no classification provided. Collection method: in vitro. Allele origin: not applicable. Functional consequence: retained intron. Not counted in ClinVar's aggregate classification.

NM_001256715.2(DNAAF3):c.531C>T (p.Gly177=)

Genes: DNAAF3 (dynein axonemal assembly factor 3; minus strand), DNAAF3-AS1 (DNAAF3 antisense RNA 1; plus strand). Cytogenetic location: 19q13.42.
Variant type: single nucleotide variant.
Coding change: c.531C>T on transcript NM_001256715.2 (MANE Select); coding-DNA position 531, C replaced by T.
Protein change: p.Gly177=; no amino-acid change (glycine 177 retained).
Molecular consequence: synonymous variant.
Genome position (GRCh38, 1-based): chr19:55,161,775, G>A on the plus strand (C>T on the coding strand, the complement: DNAAF3 is on the minus strand). VCF-style: chr19-55161775-G-A. GRCh37 (hg19) VCF-style: chr19-55673143-G-A.
Other names: c.735C>T, p.Gly245= (NM_001256714.1); c.369C>T, p.Gly123= (NM_001256716.2); c.672C>T, p.Gly224= (NM_178837.4).
Identifiers: ClinVar variation 330217 (VCV000330217.45), dbSNP rs559008223, ClinGen allele CA9668128.
Genomic context (GRCh38, chr19:55,161,775, plus strand): 5'-GTAGTGGCGCAGGCGCGAGTCCCAGAGGCGGCTCATGGGGAACGCCTGGGGCCCTTTCTC[G>A]CCGCCAGCCCAGAAGCGGAATACGGCCTCCAGGGCATCCCGCTCGCGGAACTGCGGGGCC-3'
Protein context (NP_001243644.1, residues 167-187): LEAVFRFWAG[Gly177=]EKGPQAFPMS